The following is an entry in ClinVar:

ClinVar aggregate classification (germline): Likely benign (1 of 4 stars; one submission).

gnomAD v4.1: 1,053 of 1,329,940 alleles (0.079%); highest among the groups gnomAD compares: Non-Finnish European, 0.096%; 249 homozygotes.

Submissions (2):

CeGaT Center for Human Genetics Tuebingen
Classification: Likely benign. Last evaluated: 2025-08-01. Review status: criteria provided, single submitter. Criteria: CeGaT Center For Human Genetics Tuebingen Variant Classification Criteria Version 2. Collection method: clinical testing. Allele origin: germline. Affected: yes. Observed: 1 variant allele.
Comment: UGT2B17: BP4, BS2

Dr. Peter K. Rogan Lab, Western University
No classification provided (evidence only). Condition: Familial cancer of breast. Review status: no classification provided. Collection method: in vitro. Allele origin: not applicable. Functional consequence: retained intron. Not counted in ClinVar's aggregate classification.

NM_001077.4(UGT2B17):c.724G>C (p.Gly242Arg)

Gene: UGT2B17 (UDP glucuronosyltransferase family 2 member B17; minus strand). Cytogenetic location: 4q13.2.
Variant type: single nucleotide variant.
Coding change: c.724G>C on transcript NM_001077.4 (MANE Select); coding-DNA position 724, G replaced by C.
Protein change: p.Gly242Arg; replaces glycine 242 with arginine.
Molecular consequence: missense variant.
Genome position (GRCh38, 1-based): chr4:68,567,761, C>G on the plus strand (G>C on the coding strand, the complement: UGT2B17 is on the minus strand). VCF-style: chr4-68567761-C-G. GRCh37 (hg19) VCF-style: chr4-69433479-C-G.
Other names: NC_000004.11:g.69433479C>G; short protein forms G242R.
Identifiers: ClinVar variation 4083734 (VCV004083734.9).